The following is an entry in ClinVar:

NM_002439.5(MSH3):c.408del (p.Lys136fs)

Gene: MSH3 (mutS homolog 3; plus strand). Cytogenetic location: 5q14.1.
Variant type: Deletion.
Coding change: c.408del on transcript NM_002439.5 (MANE Select); coding-DNA position 408, one base deleted (A; older notation c.408delA).
Protein change: p.Lys136fs; shifts the reading frame from lysine 136.
Molecular consequence: frameshift variant.
Genome position (GRCh38, 1-based): chr5:80,665,192, A deleted; the last of 5 consecutive A bases (chr5:80,665,188-80,665,192); deleting any one gives the same sequence. VCF-style (leftmost placement, unchanged base first): chr5-80665187-GA-G. GRCh37 (hg19) VCF-style: chr5-79961006-GA-G.
Other names: short protein forms K136fs.
Identifiers: ClinVar variation 2099497 (VCV002099497.6), dbSNP rs2112808747, ClinGen allele CA2580073507.

ClinVar aggregate classification (germline): Pathogenic/Likely pathogenic. Review status: criteria provided, multiple submitters, no conflicts (2 of 4 stars). 3 submissions from 3 submitters: Pathogenic (2); Likely pathogenic (1). Last evaluated 2023-03-10.

Conditions:
Endometrial carcinoma. Also called: Endometrial carcinoma, somatic. Identifiers: MedGen C0476089, MONDO:0002447, OMIM 608089, HP:0012114.
Familial adenomatous polyposis 4 (FAP4). Also called: MSH3-related attenuated familial adenomatous polyposis. Identifiers: Orphanet 480536, MedGen C4310719, MONDO:0044300, OMIM 617100.

Submissions (3):

Myriad Genetics, Inc.
Classification: Pathogenic for Familial adenomatous polyposis 4. Last evaluated: 2023-03-10. Review status: criteria provided, single submitter. Criteria: Myriad Autosomal Dominant, Autosomal Recessive and X-Linked Classification Criteria (2023). Collection method: clinical testing. Allele origin: unknown.
Comment: This variant is considered pathogenic. This variant creates a frameshift predicted to result in premature protein truncation.

Labcorp Genetics (formerly Invitae), Labcorp
Classification: Pathogenic. Last evaluated: 2022-09-21. Review status: criteria provided, single submitter. Criteria: Invitae Variant Classification Sherloc (09022015). Collection method: clinical testing. Allele origin: germline.
Comment: For these reasons, this variant has been classified as Pathogenic. This variant has not been reported in the literature in individuals affected with MSH3-related conditions. This variant is not present in population databases (gnomAD no frequency). This sequence change creates a premature translational stop signal (p.Lys136Asnfs*2) in the MSH3 gene. It is expected to result in an absent or disrupted protein product. Loss-of-function variants in MSH3 are known to be pathogenic (PMID: 27476653).

Baylor Genetics
Classification: Likely pathogenic for Endometrial carcinoma. Last evaluated: 2022-02-15. Review status: criteria provided, single submitter. Criteria: ACMG Guidelines, 2015. Collection method: clinical testing. Allele origin: unknown.

Literature cited by the submitters: PubMed 27476653 (cited by Labcorp Genetics (formerly Invitae), Labcorp).